The following is an entry in ClinVar:

ClinVar aggregate classification (germline): Pathogenic (1 of 4 stars; one submission).

Conditions:
Inborn genetic diseases. Identifiers: MedGen C0950123, MeSH D030342.

Submission:

Ambry Genetics
Classification: Pathogenic for Inborn genetic diseases. Last evaluated: 2021-05-19. Review status: criteria provided, single submitter. Criteria: Ambry Variant Classification Scheme 2023. Collection method: clinical testing. Allele origin: germline.
Comment: The c.517delA (p.I173*) alteration, located in exon 6 (coding exon 6) of the NEMF gene, consists of a deletion of one nucleotide at position 517, causing a translational frameshift with a predicted alternate stop codon after amino acids. This alteration is expected to result in loss of function by premature protein truncation or nonsense-mediated mRNA decay. Based on the available evidence, this alteration is classified as pathogenic.

NM_004713.6(NEMF):c.517del (p.Glu172_Ile173insTer)

Gene: NEMF (nuclear export mediator factor; minus strand). Cytogenetic location: 14q21.3.
Variant type: Deletion.
Coding change: c.517del on transcript NM_004713.6 (MANE Select); coding-DNA position 517, one base deleted (A; older notation c.517delA).
Protein change: p.Glu172_Ile173insTer.
Molecular consequence: nonsense.
Genome position (GRCh38, 1-based): chr14:49,838,196, T deleted on the plus strand (A on the coding strand, the reverse complement: NEMF is on the minus strand); the first of 3 consecutive T bases (chr14:49,838,196-49,838,198); deleting any one gives the same sequence. VCF-style (leftmost placement, unchanged base first): chr14-49838195-AT-A. GRCh37 (hg19) VCF-style: chr14-50304913-AT-A.
Other names: c.517del, p.Glu172_Ile173insTer (NM_001301732.3).
Identifiers: ClinVar variation 2231009 (VCV002231009.2), dbSNP rs2503322134, ClinGen allele CA2580088155.